The following is an entry in ClinVar:

NM_001797.4(CDH11):c.998A>T (p.Lys333Met)

Gene: CDH11 (cadherin 11; minus strand). Cytogenetic location: 16q21.
Variant type: single nucleotide variant.
Coding change: c.998A>T on transcript NM_001797.4 (MANE Select); coding-DNA position 998, A replaced by T.
Protein change: p.Lys333Met; replaces lysine 333 with methionine.
Molecular consequence: missense variant.
Genome position (GRCh38, 1-based): chr16:64,988,158, T>A on the plus strand (A>T on the coding strand, the complement: CDH11 is on the minus strand). VCF-style: chr16-64988158-T-A. GRCh37 (hg19) VCF-style: chr16-65022061-T-A.
Other names: c.998A>T, p.Lys333Met (NM_001308392.2); c.620A>T, p.Lys207Met (NM_001330576.2); short protein forms K207M, K333M.
Identifiers: ClinVar variation 4883250 (VCV004883250.2).

ClinVar aggregate classification (germline): Uncertain significance (1 of 4 stars; one submission).

Submission:

Dasa
Classification: Uncertain significance. Last evaluated: 2026-01-07. Review status: criteria provided, single submitter. Criteria: DASA Assertion Criteria. Collection method: clinical testing. Allele origin: germline.
Comment: NM_001797.4(CDH11):c.998A>T (p.Lys333Met) is a missense variant that results in the substitution of lysine with methionine. This variant is rare in population databases. Computational prediction algorithms are consistent with a deleterious effect. The currently available literature and clinical evidence are not sufficient to establish a definitive association between this variant and the reported condition. Therefore, this variant is classified as a variant of uncertain significance.